The following is an entry in ClinVar:

ClinVar aggregate classification (germline): Uncertain significance (1 of 4 stars; one submission).

Submission:

Labcorp Genetics (formerly Invitae), Labcorp
Classification: Uncertain significance. Last evaluated: 2020-10-16. Review status: criteria provided, single submitter. Criteria: Invitae Variant Classification Sherloc (09022015). Collection method: clinical testing. Allele origin: germline.
Comment: In summary, the available evidence is currently insufficient to determine the role of this variant in disease. Therefore, it has been classified as a Variant of Uncertain Significance. Algorithms developed to predict the effect of missense changes on protein structure and function (SIFT, PolyPhen-2, Align-GVGD) all suggest that this variant is likely to be tolerated, but these predictions have not been confirmed by published functional studies and their clinical significance is uncertain. This variant has not been reported in the literature in individuals with UMOD-related conditions. This variant is not present in population databases (ExAC no frequency). This sequence change replaces alanine with serine at codon 74 of the UMOD protein (p.Ala74Ser). The alanine residue is weakly conserved and there is a moderate physicochemical difference between alanine and serine.

NM_003361.4(UMOD):c.220G>T (p.Ala74Ser)

Gene: UMOD (uromodulin; minus strand). Cytogenetic location: 16p12.3.
Variant type: single nucleotide variant.
Coding change: c.220G>T on transcript NM_003361.4 (MANE Select); coding-DNA position 220, G replaced by T.
Protein change: p.Ala74Ser; replaces alanine 74 with serine.
Molecular consequence: missense variant. On other transcripts: non-coding transcript variant (1).
Genome position (GRCh38, 1-based): chr16:20,349,081, C>A on the plus strand (G>T on the coding strand, the complement: UMOD is on the minus strand). VCF-style: chr16-20349081-C-A. GRCh37 (hg19) VCF-style: chr16-20360403-C-A.
Other names: c.220G>T, p.Ala74Ser (NM_001008389.3, NM_001378232.1, NM_001378233.1 and 3 more transcripts); c.319G>T, p.Ala107Ser (NM_001278614.2); short protein forms A107S, A74S.
Identifiers: ClinVar variation 1025903 (VCV001025903.8), dbSNP rs1965760008, ClinGen allele CA394987296.